The following is an entry in ClinVar:

NM_001079559.3(HNRNPUL2):c.954G>A (p.Trp318Ter)

Genes: HNRNPUL2 (heterogeneous nuclear ribonucleoprotein U like 2; minus strand), HNRNPUL2-BSCL2 (HNRNPUL2-BSCL2 readthrough (NMD candidate); minus strand). Cytogenetic location: 11q12.3.
Variant type: single nucleotide variant.
Coding change: c.954G>A on transcript NM_001079559.3 (MANE Select); coding-DNA position 954, G replaced by A.
Protein change: p.Trp318Ter; replaces tryptophan 318 with a stop codon.
Molecular consequence: nonsense. On other transcripts: non-coding transcript variant (1).
Genome position (GRCh38, 1-based): chr11:62,722,841, C>T on the plus strand (G>A on the coding strand, the complement: HNRNPUL2 is on the minus strand). VCF-style: chr11-62722841-C-T. GRCh37 (hg19) VCF-style: chr11-62490313-C-T.
Other names: short protein forms W318*.
Identifiers: ClinVar variation 3897583 (VCV003897583.1).
Genomic context (GRCh38, chr11:62,722,841, plus strand): 5'-CACTAATGAGGAACTTAAAGAAATAACTTTACCAAGCTGTGGACGGGAAAAATCAACAGA[C>T]CACCCAACTCGAAGGAGAGAGACCTCTGTGCAGCCTTCTTTCATTGGGAGATTCTGGGTT-3'

ClinVar aggregate classification (germline): Likely pathogenic (1 of 4 stars; one submission).

Conditions:
Intellectual disability. Also called: Intellectual functioning disability; intellectual disabilities; Intellectual developmental disorder. Identifiers: MedGen C3714756, MeSH D008607, MONDO:0001071, HP:0001249.

Submission:

Genetics Laboratory, UDIAT-Centre Diagnòstic, Hospital Universitari Parc Tauli
Classification: Likely pathogenic for intellectual disability. Last evaluated: 2023-05-29. Review status: criteria provided, single submitter. Criteria: ACMG Guidelines, 2015. Collection method: clinical testing. Allele origin: unknown. Inheritance: Autosomal dominant inheritance. Affected: yes.
Comment: PVS1_very strong;PM2_supporting